The following is an entry in ClinVar:

ClinVar aggregate classification (germline): Likely benign. Review status: criteria provided, multiple submitters, no conflicts (2 of 4 stars). 2 submissions from 2 submitters: Likely benign (2). Last evaluated 2026-05-18.

Conditions:
XYLT2-related disorder. Also called: XYLT2-related condition.

Allele frequency attached by ClinVar (database versions not stated): gnomAD 0.00001; gnomAD exomes 0.00002; ExAC 0.00003; TOPMed 0.00003; 1000 Genomes Project 0.00020; 1000 Genomes Project 30x 0.00031.
gnomAD v4.1: 32 of 1,610,034 alleles (0.002%); highest among the groups gnomAD compares: East Asian, 0.0089%; no homozygotes.

Submissions (2):

PreventionGenetics, part of Exact Sciences
Classification: Likely benign for XYLT2-related condition. Last evaluated: 2026-05-18. Review status: criteria provided, single submitter. Criteria: ACMG Guidelines, 2015. Collection method: clinical testing. Allele origin: germline.
Comment: This variant is classified as likely benign based on ACMG/AMP sequence variant interpretation guidelines (Richards et al. 2015 PMID: 25741868, with internal and published modifications).

Labcorp Genetics (formerly Invitae), Labcorp
Classification: Likely benign. Last evaluated: 2025-03-25. Review status: criteria provided, single submitter. Criteria: Invitae Variant Classification Sherloc (09022015). Collection method: clinical testing. Allele origin: germline.

NM_022167.4(XYLT2):c.858C>T (p.Asn286=)

Gene: XYLT2 (xylosyltransferase 2; plus strand). Cytogenetic location: 17q21.33.
Variant type: single nucleotide variant.
Coding change: c.858C>T on transcript NM_022167.4 (MANE Select); coding-DNA position 858, C replaced by T.
Protein change: p.Asn286=; no amino-acid change (asparagine 286 retained).
Molecular consequence: synonymous variant.
Genome position (GRCh38, 1-based): chr17:50,354,907, C>T. VCF-style: chr17-50354907-C-T. GRCh37 (hg19) VCF-style: chr17-48432268-C-T.
Other names: c.858C>T (NM_022167.3).
Identifiers: ClinVar variation 1613653 (VCV001613653.9), dbSNP rs534585281, ClinGen allele CA8646291.